The following is an entry in ClinVar:

ClinVar aggregate classification (germline): Conflicting classifications of pathogenicity. Review status: criteria provided, conflicting classifications (1 of 4 stars). 3 submissions from 3 submitters: Uncertain significance (1); Likely benign (2). Last evaluated 2025-09-22.

Conditions:
Cardiovascular phenotype. Identifiers: MedGen CN230736.
Myofibrillar myopathy 5. Also called: Filaminopathy (type); FILAMINOPATHY, AUTOSOMAL DOMINANT. Identifiers: Orphanet 171445, MedGen C1836050, MONDO:0012289, OMIM 609524.
Distal myopathy with posterior leg and anterior hand involvement. Also called: WILLIAMS DISTAL MYOPATHY. Identifiers: Orphanet 63273, MedGen C3279722, MONDO:0013550, OMIM 614065.
Hypertrophic cardiomyopathy 26. Also called: Cardiomyopathy, familial hypertrophic, 26. Identifiers: Orphanet 75249, MedGen C4310749, MONDO:0014883, OMIM 617047.

Allele frequency attached by ClinVar (database versions not stated): gnomAD 0.00001; TOPMed 0.00003; gnomAD exomes 0.00005; ExAC 0.00010.
gnomAD v4.1: 49 of 1,612,714 alleles (0.003%); highest among the groups gnomAD compares: Non-Finnish European, 0.0036%; no homozygotes.

Submissions (3):

Labcorp Genetics (formerly Invitae), Labcorp
Classification: Likely benign for Distal myopathy with posterior leg and anterior hand involvement; Myofibrillar myopathy 5; Hypertrophic cardiomyopathy 26. Last evaluated: 2025-09-22. Review status: criteria provided, single submitter. Criteria: Invitae Variant Classification Sherloc (09022015). Collection method: clinical testing. Allele origin: germline.

Blueprint Genetics
Classification: Likely benign. Last evaluated: 2024-08-02. Review status: criteria provided, single submitter. Criteria: ACMG Guidelines, 2015. Collection method: clinical testing. Allele origin: germline.

Ambry Genetics
Classification: Uncertain significance for Cardiovascular phenotype. Last evaluated: 2022-04-29. Review status: criteria provided, single submitter. Criteria: Ambry Variant Classification Scheme 2023. Collection method: clinical testing. Allele origin: germline.
Comment: The c.1412-5C>T intronic variant results from a C to T substitution 5 nucleotides upstream from coding exon 9 in the FLNC gene. This nucleotide position is not well conserved in available vertebrate species. In silico splice site analysis predicts that this alteration will not have any significant effect on splicing. Since supporting evidence is limited at this time, the clinical significance of this alteration remains unclear.

NM_001458.5(FLNC):c.1412-5C>T

Gene: FLNC (filamin C; plus strand). Cytogenetic location: 7q32.1.
Variant type: single nucleotide variant.
Coding change: c.1412-5C>T on transcript NM_001458.5 (MANE Select); 5 bases into the intron before coding-DNA position 1412, C replaced by T.
Molecular consequence: intron variant.
Genome position (GRCh38, 1-based): chr7:128,840,018, C>T. VCF-style: chr7-128840018-C-T. GRCh37 (hg19) VCF-style: chr7-128480072-C-T.
Other names: c.1412-5C>T (NM_001127487.2).
Identifiers: ClinVar variation 705766 (VCV000705766.12), dbSNP rs765122668, ClinGen allele CA4474334.